The following is an entry in ClinVar:

ClinVar aggregate classification (germline): Uncertain significance (1 of 4 stars; one submission).

Conditions:
Epileptic encephalopathy. Identifiers: MedGen C0543888, HP:0200134.

Allele frequency attached by ClinVar (database versions not stated): gnomAD exomes 0.00001 and 0.00002; ExAC 0.00003.
gnomAD v4.1: 17 of 1,612,722 alleles (0.0011%); highest among the groups gnomAD compares: South Asian, 0.019%; no homozygotes.

Submission:

Labcorp Genetics (formerly Invitae), Labcorp
Classification: Uncertain significance for Epileptic encephalopathy. Last evaluated: 2025-03-03. Review status: criteria provided, single submitter. Criteria: Invitae Variant Classification Sherloc (09022015). Collection method: clinical testing. Allele origin: germline.
Comment: This sequence change replaces serine, which is neutral and polar, with phenylalanine, which is neutral and non-polar, at codon 51 of the FASN protein (p.Ser51Phe). This variant is present in population databases (rs779797169, gnomAD 0.01%). This variant has not been reported in the literature in individuals affected with FASN-related conditions. ClinVar contains an entry for this variant (Variation ID: 1017124). An algorithm developed to predict the effect of missense changes on protein structure and function (PolyPhen-2) suggests that this variant is likely to be disruptive. In summary, the available evidence is currently insufficient to determine the role of this variant in disease. Therefore, it has been classified as a Variant of Uncertain Significance.

NM_004104.5(FASN):c.152C>T (p.Ser51Phe)

Gene: FASN (fatty acid synthase; minus strand). Cytogenetic location: 17q25.3.
Variant type: single nucleotide variant.
Coding change: c.152C>T on transcript NM_004104.5 (MANE Select); coding-DNA position 152, C replaced by T.
Protein change: p.Ser51Phe; replaces serine 51 with phenylalanine.
Molecular consequence: missense variant.
Genome position (GRCh38, 1-based): chr17:82,095,448, G>A on the plus strand (C>T on the coding strand, the complement: FASN is on the minus strand). VCF-style: chr17-82095448-G-A. GRCh37 (hg19) VCF-style: chr17-80053324-G-A.
Other names: short protein forms S51F.
Identifiers: ClinVar variation 1017124 (VCV001017124.8), dbSNP rs779797169, ClinGen allele CA8853638.